The following is an entry in ClinVar:

ClinVar aggregate classification (germline): Benign. Review status: criteria provided, multiple submitters, no conflicts (2 of 4 stars). 2 submissions from 2 submitters: Benign (2). Last evaluated 2018-06-14.

Allele frequency attached by ClinVar (database versions not stated): gnomAD exomes 0.00213; gnomAD 0.01595 and 0.01700; 1000 Genomes Project 0.01597; TOPMed 0.01748; 1000 Genomes Project 30x 0.01796.
gnomAD v4.1: 3,600 of 681,316 alleles (0.53%); highest among the groups gnomAD compares: African/African-American, 5.4%; 82 homozygotes.

Submissions (2):

GeneDx
Classification: Benign. Last evaluated: 2018-06-14. Review status: criteria provided, single submitter. Criteria: GeneDx Variant Classification (06012015). Collection method: clinical testing. Allele origin: germline. Affected: yes.
Comment: This variant is considered likely benign or benign based on one or more of the following criteria: it is a conservative change, it occurs at a poorly conserved position in the protein, it is predicted to be benign by multiple in silico algorithms, and/or has population frequency not consistent with disease.

Breakthrough Genomics
Classification: Benign. Review status: criteria provided, single submitter. Criteria: ACMG Guidelines, 2015. Collection method: not provided. Allele origin: germline. Inheritance: Autosomal dominant inheritance. Affected: yes.

NM_000093.5(COL5A1):c.4955-119C>T

Genes: COL5A1 (collagen type V alpha 1 chain; plus strand), LOC101448202 (uncharacterized LOC101448202; minus strand). Cytogenetic location: 9q34.3.
Variant type: single nucleotide variant.
Coding change: c.4955-119C>T on transcript NM_000093.5 (MANE Select); 119 bases into the intron before coding-DNA position 4955, C replaced by T.
Molecular consequence: intron variant.
Genome position (GRCh38, 1-based): chr9:134,825,673, C>T. VCF-style: chr9-134825673-C-T. GRCh37 (hg19) VCF-style: chr9-137717519-C-T.
Other names: c.4955-119C>T (NM_001278074.1).
Identifiers: ClinVar variation 675612 (VCV000675612.2), dbSNP rs112278047, ClinGen allele CA201101307.
Genomic context (GRCh38, chr9:134,825,673, plus strand): 5'-TATGGGCCCAGCAGGAGAAGCAAAATGCAATAAAGTAAACCCCAGAAAGGCCCGTGTTGG[C>T]GGCATTCCTGGGGCGTGCATTTTAACTGCTGGACTGAAATGTCACAGCGGCTTCCGGAAC-3'